The following is an entry in ClinVar:

NM_003072.5(SMARCA4):c.1030C>A (p.Pro344Thr)

Gene: SMARCA4 (SWI/SNF related BAF chromatin remodeling complex subunit ATPase 4; plus strand). Cytogenetic location: 19p13.2.
Variant type: single nucleotide variant.
Coding change: c.1030C>A on transcript NM_003072.5 (MANE Select); coding-DNA position 1030, C replaced by A.
Protein change: p.Pro344Thr; replaces proline 344 with threonine.
Molecular consequence: missense variant. On other transcripts: non-coding transcript variant (1).
Genome position (GRCh38, 1-based): chr19:10,987,836, C>A. VCF-style: chr19-10987836-C-A. GRCh37 (hg19) VCF-style: chr19-11098512-C-A.
Other names: c.1030C>A, p.Pro344Thr (NM_001128844.3, NM_001128845.2, NM_001128846.2 and 5 more transcripts); c.1030C>A (NM_001128849.2); short protein forms P344T.
Identifiers: ClinVar variation 484864 (VCV000484864.19), dbSNP rs771509538, ClinGen allele CA9203661.

ClinVar aggregate classification (germline): Conflicting classifications of pathogenicity. Review status: criteria provided, conflicting classifications (1 of 4 stars). 4 submissions from 4 submitters: Uncertain significance (3); Likely benign (1). Last evaluated 2025-07-15.

Conditions:
Hereditary cancer-predisposing syndrome. Also called: Neoplastic Syndromes, Hereditary; Tumor predisposition; Hereditary Cancer Syndrome; Hereditary neoplastic syndrome. Identifiers: Orphanet 140162, MedGen C0027672, MeSH D009386, MONDO:0015356.
Intellectual disability, autosomal dominant 16 (CSS4). Also called: COFFIN-SIRIS SYNDROME 4. Identifiers: Orphanet 1465, MedGen C3553249, MONDO:0013821, OMIM 614609.
Otosclerosis 12. Identifiers: MedGen C5935610, MONDO:0968980, OMIM 620792.
Rhabdoid tumor predisposition syndrome 2 (RTPS2). Identifiers: Orphanet 231108, Orphanet 69077, MedGen C2750074, MONDO:0013224, OMIM 613325.

Allele frequency attached by ClinVar (database versions not stated): gnomAD exomes below 0.00001 and 0.00001; TOPMed below 0.00001; ExAC 0.00001.
gnomAD v4.1: 5 of 1,610,956 alleles (0.00031%); highest among the groups gnomAD compares: Non-Finnish European, 0.00034%; no homozygotes.

Submissions (4):

Labcorp Genetics (formerly Invitae), Labcorp
Classification: Uncertain significance for Rhabdoid tumor predisposition syndrome 2. Last evaluated: 2025-07-15. Review status: criteria provided, single submitter. Criteria: Invitae Variant Classification Sherloc (09022015). Collection method: clinical testing. Allele origin: germline.
Comment: This sequence change replaces proline, which is neutral and non-polar, with threonine, which is neutral and polar, at codon 344 of the SMARCA4 protein (p.Pro344Thr). The frequency data for this variant in the population databases is considered unreliable, as metrics indicate poor data quality at this position in the gnomAD database. This variant has not been reported in the literature in individuals affected with SMARCA4-related conditions. ClinVar contains an entry for this variant (Variation ID: 484864). Invitae Evidence Modeling of protein sequence and biophysical properties (such as structural, functional, and spatial information, amino acid conservation, physicochemical variation, residue mobility, and thermodynamic stability) indicates that this missense variant is not expected to disrupt SMARCA4 protein function with a negative predictive value of 95%. In summary, the available evidence is currently insufficient to determine the role of this variant in disease. Therefore, it has been classified as a Variant of Uncertain Significance.

Fulgent Genetics
Classification: Uncertain significance for Rhabdoid tumor predisposition syndrome 2; Intellectual disability, autosomal dominant 16; Otosclerosis 12. Last evaluated: 2024-06-07. Review status: criteria provided, single submitter. Criteria: ACMG Guidelines, 2015. Collection method: clinical testing. Allele origin: germline.

Ambry Genetics
Classification: Likely benign for Hereditary cancer-predisposing syndrome. Last evaluated: 2023-06-29. Review status: criteria provided, single submitter. Criteria: Ambry Variant Classification Scheme 2023. Collection method: clinical testing. Allele origin: germline.

Genome-Nilou Lab
Classification: Uncertain significance for Intellectual disability, autosomal dominant 16. Last evaluated: 2021-07-15. Review status: criteria provided, single submitter. Criteria: ACMG Guidelines, 2015. Collection method: clinical testing. Allele origin: germline. Affected: no.